The following is an entry in ClinVar:

ClinVar aggregate classification (germline): Conflicting classifications of pathogenicity. Review status: criteria provided, conflicting classifications (1 of 4 stars). 2 submissions from 2 submitters: Likely pathogenic (1); Uncertain significance (1). Last evaluated 2025-07-10.

Conditions:
Inborn genetic diseases. Identifiers: MedGen C0950123, MeSH D030342.

Submissions (2):

Ambry Genetics
Classification: Uncertain significance for Inborn genetic diseases. Last evaluated: 2025-07-10. Review status: criteria provided, single submitter. Criteria: Ambry Variant Classification Scheme 2023. Collection method: clinical testing. Allele origin: germline.
Comment: The c.124T>A (p.F42I) alteration is located in exon 2 (coding exon 1) of the EEF1A2 gene. This alteration results from a T to A substitution at nucleotide position 124, causing the phenylalanine (F) at amino acid position 42 to be replaced by an isoleucine (I). This variant was not reported in population-based cohorts in the Genome Aggregation Database (gnomAD). This amino acid position is highly conserved in available vertebrate species. This missense alteration is located in a region that has a low rate of benign missense variation (Lek, 2016; Firth, 2009). This alteration is predicted to be tolerated by in silico analysis. Based on insufficient or conflicting evidence, the clinical significance of this alteration remains unclear.

GeneDx
Classification: Likely pathogenic. Last evaluated: 2017-10-03. Review status: criteria provided, single submitter. Criteria: GeneDx Variant Classification (06012015). Collection method: clinical testing. Allele origin: germline. Affected: yes.
Comment: The F42I variant in the EEF1A2 gene has not been reported previously as a pathogenic variant, nor as a benign variant, to our knowledge. The F42I variant is not observed in large population cohorts (Lek et al., 2016). The F42I variant is a conservative amino acid substitution, which is not likely to impact secondary protein structure as these residues share similar properties. This substitution occurs at a position that is conserved across species. In silico analysis predicts this variant is probably damaging to the protein structure/function. We interpret F42I as a likely pathogenic variant.

NM_001958.5(EEF1A2):c.124T>A (p.Phe42Ile)

Gene: EEF1A2 (eukaryotic translation elongation factor 1 alpha 2; minus strand). Cytogenetic location: 20q13.33.
Variant type: single nucleotide variant.
Coding change: c.124T>A on transcript NM_001958.5 (MANE Select); coding-DNA position 124, T replaced by A.
Protein change: p.Phe42Ile; replaces phenylalanine 42 with isoleucine.
Molecular consequence: missense variant.
Genome position (GRCh38, 1-based): chr20:63,497,640, A>T on the plus strand (T>A on the coding strand, the complement: EEF1A2 is on the minus strand). VCF-style: chr20-63497640-A-T. GRCh37 (hg19) VCF-style: chr20-62128993-A-T.
Other names: c.124T>A (NM_001958.2); short protein forms F42I.
Identifiers: ClinVar variation 452507 (VCV000452507.3), dbSNP rs1555883975, ClinGen allele CA409651719.